The following is an entry in ClinVar:

ClinVar aggregate classification (germline): Pathogenic/Likely pathogenic. Review status: criteria provided, multiple submitters, no conflicts (2 of 4 stars). 8 submissions from 8 submitters: Pathogenic (5); Likely pathogenic (2). 1 of the submissions does not count toward it. Last evaluated 2025-07-30.

Conditions:
Neuronal ceroid lipofuscinosis 1 (CLN1). Also called: CEROID LIPOFUSCINOSIS, NEURONAL, 1, VARIABLE AGE AT ONSET; PPT1-Related Neuronal Ceroid-Lipofuscinosis. Identifiers: Orphanet 228329, MedGen C1850451, MONDO:0009744, OMIM 256730.

Allele frequency attached by ClinVar (database versions not stated): TOPMed 0.00002; gnomAD 0.00003; ExAC 0.00004; gnomAD exomes 0.00004; ESP Exome Variant Server 0.00008.
gnomAD v4.1: 71 of 1,613,584 alleles (0.0044%); highest among the groups gnomAD compares: Non-Finnish European, 0.0058%; no homozygotes.

Submissions (8):

North West Genomic Laboratory Hub, Manchester University NHS Foundation Trust
Classification: Likely pathogenic for Neuronal ceroid lipofuscinosis 1. Last evaluated: 2025-07-30. Review status: criteria provided, single submitter. Criteria: ACGS Best Practice Guidelines for Variant Classification in Rare Disease 2024. Collection method: clinical testing. Allele origin: germline. Affected: yes.
Comment: PS3_Supp PM2_Mod PP4_Mod PM3_Supp PP3_Supp

Natera, Inc.
Classification: Likely pathogenic for Neuronal ceroid lipofuscinosis 1. Last evaluated: 2025-06-13. Review status: criteria provided, single submitter. Criteria: Natera Variant Classification Schema (03/2026). Collection method: clinical testing. Allele origin: germline.
Comment: The c.529C>G variant in PPT1 is a missense variant predicted to cause substitution of glutamine to glutamic acid at amino acid 177. This variant is rare in the general population with a frequency below the threshold expected for the associated phenotype(s). This variant has been observed in one or more individuals affected with the associated recessive disease, as either homozygous or compound heterozygous with a second variant (PMID: 10649502). Functional studies show that this variant may disrupt protein function (PMID: 11440996). Computational prediction algorithms indicate this variant is likely to affect gene or protein function. Given the available evidence, this variant is classified as Likely Pathogenic.

Labcorp Genetics (formerly Invitae), Labcorp
Classification: Pathogenic for Neuronal ceroid lipofuscinosis 1. Last evaluated: 2024-10-28. Review status: criteria provided, single submitter. Criteria: Invitae Variant Classification Sherloc (09022015). Collection method: clinical testing. Allele origin: germline.
Comment: This sequence change replaces glutamine, which is neutral and polar, with glutamic acid, which is acidic and polar, at codon 177 of the PPT1 protein (p.Gln177Glu). This variant is present in population databases (rs386833650, gnomAD 0.008%). This missense change has been observed in individual(s) with late onset neuronal ceroid lipofuscinoses (PMID: 9664077). ClinVar contains an entry for this variant (Variation ID: 56198). Invitae Evidence Modeling of protein sequence and biophysical properties (such as structural, functional, and spatial information, amino acid conservation, physicochemical variation, residue mobility, and thermodynamic stability) indicates that this missense variant is expected to disrupt PPT1 protein function with a positive predictive value of 95%. Experimental studies have shown that this missense change affects PPT1 function (PMID: 11440996). For these reasons, this variant has been classified as Pathogenic.

Baylor Genetics
Classification: Pathogenic for Neuronal ceroid lipofuscinosis 1. Last evaluated: 2024-01-19. Review status: criteria provided, single submitter. Criteria: ACMG Guidelines, 2015. Collection method: clinical testing. Allele origin: unknown.

GeneDx
Classification: Pathogenic. Last evaluated: 2022-03-30. Review status: criteria provided, single submitter. Criteria: GeneDx Variant Classification Process June 2021. Collection method: clinical testing. Allele origin: germline. Affected: yes.
Comment: Reported previously in individuals with late-infantile neuronal ceroid lipofuscinosis who harbored a second PPT1 variant in unknown phase (Das et al., 1998; Waliany et al., 2000); Published functional studies demonstrate significantly reduced enzyme activity in the presence of the Q177E mutation (Das et al., 2001); Not observed at a significant frequency in large population cohorts (gnomAD); In silico analysis, which includes protein predictors and evolutionary conservation, supports a deleterious effect; This variant is associated with the following publications: (PMID: 19793631, 10649502, 12125808, 21990111, 11073228, 9664077, 11440996)

Eurofins Ntd Llc (ga)
Classification: Pathogenic. Last evaluated: 2018-05-30. Review status: criteria provided, single submitter. Criteria: EGL ClinVar v180209 classification definitions. Collection method: clinical testing. Allele origin: germline. Observed: 1 variant allele, 1 heterozygote.

Illumina Laboratory Services, Illumina
Classification: Pathogenic for Neuronal ceroid lipofuscinosis 1. Last evaluated: 2017-04-28. Review status: criteria provided, single submitter. Criteria: ICSL Variant Classification Criteria 09 May 2019. Collection method: clinical testing. Allele origin: germline.
Comment: The PPT1 c.529C>G (p.Gln177Glu) missense variant has been reported in a compound heterozygous state in five unrelated individuals with neuronal ceroid lipofuscinosis (NCL) (Das et al. 1998; Waliany et al. 2000; Kousi et al. 2012). Three individuals were affected with late-infantile NCL with the age of onset not reported in the other two subjects. The p.Gln177Glu variant was absent from 60 controls subjects but is reported at a frequency of 0.00007 in the European (non-Finnish) population of the Exome Aggregation Consortium. An enzyme activity of 7.3% of normal was detected in COS cells transfected with the p.Gln177Glu variant, while enzyme levels of 1.08% that of control was detected in lymphoblasts from an individual carrying the p.Gln177Glu variant (Das et al. 2001). Furthermore, kinetic analysis on highly purified variant protein using Sf9 insect cells revealed that the p.Gln177Glu variant led to substrate binding defects compared to wild type (Das et al. 2001). Based on the evidence, the p.Gln177Glu variant is classified as pathogenic for autosomal recessive neuronal ceroid lipofuscinosis. This variant was observed by ICSL as part of a predisposition screen in an ostensibly healthy population.

Juha Muilu Group; Institute for Molecular Medicine Finland (FIMM)
Classification: Likely pathogenic for Ceroid lipofuscinosis neuronal 1. Review status: no assertion criteria provided. Collection method: not provided. Allele origin: unknown. Not counted in ClinVar's aggregate classification.
Comment: FinDis database variant: This variant was not found or characterized by our laboratory, data were collected from public sources: see reference
ClinVar note: Converted during submission from probable-pathogenic to Likely pathogenic.

Literature cited by the submitters: PubMed 10649502 (cited by 3 submitters); PubMed 11440996 (cited by 4 submitters); PubMed 9664077 (cited by 3 submitters); PubMed 21990111 (cited by Illumina Laboratory Services, Illumina).

NM_000310.4(PPT1):c.529C>G (p.Gln177Glu)

Gene: PPT1 (palmitoyl-protein thioesterase 1; minus strand). Cytogenetic location: 1p34.2.
Variant type: single nucleotide variant.
Coding change: c.529C>G on transcript NM_000310.4 (MANE Select); coding-DNA position 529, C replaced by G.
Protein change: p.Gln177Glu; replaces glutamine 177 with glutamic acid.
Molecular consequence: missense variant.
Genome position (GRCh38, 1-based): chr1:40,089,417, G>C on the plus strand (C>G on the coding strand, the complement: PPT1 is on the minus strand). VCF-style: chr1-40089417-G-C. GRCh37 (hg19) VCF-style: chr1-40555089-G-C.
Other names: p.Q177E:CAG>GAG; c.220C>G, p.Gln74Glu (NM_001142604.2); c.529C>G, p.Gln177Glu (NM_001363695.2); short protein forms Q177E, Q74E.
Identifiers: ClinVar variation 56198 (VCV000056198.23), dbSNP rs386833650, ClinGen allele CA263516.